The following is an entry in ClinVar:

ClinVar aggregate classification (germline): Conflicting classifications of pathogenicity. Review status: criteria provided, conflicting classifications (1 of 4 stars). 2 submissions from 2 submitters: Uncertain significance (1); Likely benign (1). Last evaluated 2024-09-23.

Conditions:
Inborn genetic diseases. Identifiers: MedGen C0950123, MeSH D030342.

Allele frequency attached by ClinVar (database versions not stated): gnomAD 0.00001; gnomAD exomes 0.00001; TOPMed 0.00003; ExAC 0.00008.
gnomAD v4.1: 10 of 1,195,526 alleles (0.00084%); highest among the groups gnomAD compares: Admixed American, 0.023%; no homozygotes.

Submissions (2):

Labcorp Genetics (formerly Invitae), Labcorp
Classification: Uncertain significance. Last evaluated: 2024-09-23. Review status: criteria provided, single submitter. Criteria: Invitae Variant Classification Sherloc (09022015). Collection method: clinical testing. Allele origin: germline.
Comment: This sequence change replaces isoleucine, which is neutral and non-polar, with valine, which is neutral and non-polar, at codon 1883 of the TAF1 protein (p.Ile1883Val). This variant is present in population databases (rs755905249, gnomAD 0.03%), including at least one homozygous and/or hemizygous individual. This variant has not been reported in the literature in individuals affected with TAF1-related conditions. ClinVar contains an entry for this variant (Variation ID: 1910959). An algorithm developed to predict the effect of missense changes on protein structure and function (PolyPhen-2) suggests that this variant is likely to be tolerated. In summary, the available evidence is currently insufficient to determine the role of this variant in disease. Therefore, it has been classified as a Variant of Uncertain Significance.

Ambry Genetics
Classification: Likely benign for Inborn genetic diseases. Last evaluated: 2022-01-26. Review status: criteria provided, single submitter. Criteria: Ambry Variant Classification Scheme 2023. Collection method: clinical testing. Allele origin: germline.

NM_004606.5(TAF1):c.5587A>G (p.Ile1863Val)

Gene: TAF1 (TATA-box binding protein associated factor 1; plus strand). Cytogenetic location: Xq13.1.
Variant type: single nucleotide variant.
Coding change: c.5587A>G on transcript NM_004606.5 (MANE Select); coding-DNA position 5587, A replaced by G.
Protein change: p.Ile1863Val; replaces isoleucine 1863 with valine.
Molecular consequence: missense variant.
Genome position (GRCh38, 1-based): chrX:71,464,011, A>G. VCF-style: chrX-71464011-A-G. GRCh37 (hg19) VCF-style: chrX-70683861-A-G.
Other names: c.5593A>G, p.Ile1865Val (NM_001286074.2); c.5524A>G, p.Ile1842Val (NM_138923.4); short protein forms I1842V, I1863V, I1865V.
Identifiers: ClinVar variation 1910959 (VCV001910959.6), dbSNP rs755905249, ClinGen allele CA10447419.